The following is an entry in ClinVar:

ClinVar aggregate classification (germline): Uncertain significance (1 of 4 stars; one submission).

gnomAD v4.1: 36 of 1,613,832 alleles (0.0022%); highest among the groups gnomAD compares: East Asian, 0.04%; no homozygotes.

Submission:

Labcorp Genetics (formerly Invitae), Labcorp
Classification: Uncertain significance. Last evaluated: 2024-02-07. Review status: criteria provided, single submitter. Criteria: Invitae Variant Classification Sherloc (09022015). Collection method: clinical testing. Allele origin: germline.
Comment: This sequence change replaces arginine, which is basic and polar, with glutamine, which is neutral and polar, at codon 327 of the ACOX2 protein (p.Arg327Gln). This variant is present in population databases (rs777307009, gnomAD 0.05%). This variant has not been reported in the literature in individuals affected with ACOX2-related conditions. Advanced modeling of protein sequence and biophysical properties (such as structural, functional, and spatial information, amino acid conservation, physicochemical variation, residue mobility, and thermodynamic stability) performed at Invitae indicates that this missense variant is not expected to disrupt ACOX2 protein function with a negative predictive value of 80%. In summary, the available evidence is currently insufficient to determine the role of this variant in disease. Therefore, it has been classified as a Variant of Uncertain Significance.

NM_003500.4(ACOX2):c.980G>A (p.Arg327Gln)

Gene: ACOX2 (acyl-CoA oxidase 2; minus strand). Cytogenetic location: 3p14.3.
Variant type: single nucleotide variant.
Coding change: c.980G>A on transcript NM_003500.4 (MANE Select); coding-DNA position 980, G replaced by A.
Protein change: p.Arg327Gln; replaces arginine 327 with glutamine.
Molecular consequence: missense variant.
Genome position (GRCh38, 1-based): chr3:58,530,478, C>T on the plus strand (G>A on the coding strand, the complement: ACOX2 is on the minus strand). VCF-style: chr3-58530478-C-T. GRCh37 (hg19) VCF-style: chr3-58516205-C-T.
Other names: short protein forms R327Q.
Identifiers: ClinVar variation 3606830 (VCV003606830.2).
Genomic context (GRCh38, chr3:58,530,478, plus strand): 5'-ACCAAGAGGCAGCATATCTGCGGTAGTCAGTCACTGGGCACCCCTTGCCTGGGCCGGAGC[C>T]GGGATTGGCGGCGGATGACCGAGTAGCGCATGGCGATGACACAGGCCTTCTGCAGTATAG-3'
Protein context (NP_003491.1, residues 317-337): MRYSVIRRQS[Arg327Gln]LRPSDPEAKV